The following is an entry in ClinVar:

NM_007194.4(CHEK2):c.808del (p.Val270fs)

Gene: CHEK2 (checkpoint kinase 2; minus strand). Cytogenetic location: 22q12.1.
Variant type: Deletion.
Coding change: c.808del on transcript NM_007194.4 (MANE Select); coding-DNA position 808, one base deleted (G; older notation c.808delG).
Protein change: p.Val270fs; shifts the reading frame from valine 270.
Molecular consequence: frameshift variant.
Genome position (GRCh38, 1-based): chr22:28,710,044, C deleted on the plus strand (G on the coding strand, the reverse complement: CHEK2 is on the minus strand). VCF-style (leftmost placement, unchanged base first): chr22-28710043-AC-A. GRCh37 (hg19) VCF-style: chr22-29106031-AC-A.
Other names: c.937delG, p.Val313Leufs (NM_001005735.3); c.145delG, p.Val49Leufs (NM_001257387.3); c.607delG, p.Val203Leufs (NM_001349956.3); c.808delG, p.Val270Leufs (NM_145862.3); short protein forms V270fs, V49fs, V313fs, V203fs.
Identifiers: ClinVar variation 2809556 (VCV002809556.3), dbSNP rs2517943729, ClinGen allele CA2739265652.

ClinVar aggregate classification (germline): Pathogenic (1 of 4 stars; one submission).

Conditions:
Familial cancer of breast. Also called: BREAST CANCER, FAMILIAL; hereditary breast carcinoma; Hereditary breast cancer. Identifiers: Orphanet 227535, MedGen C0346153, MONDO:0016419, OMIM 114480. Disease mechanism: loss of function.

Submission:

Labcorp Genetics (formerly Invitae), Labcorp
Classification: Pathogenic for Familial cancer of breast. Last evaluated: 2022-10-24. Review status: criteria provided, single submitter. Criteria: Invitae Variant Classification Sherloc (09022015). Collection method: clinical testing. Allele origin: germline.
Comment: This sequence change creates a premature translational stop signal (p.Val270Leufs*5) in the CHEK2 gene. It is expected to result in an absent or disrupted protein product. Loss-of-function variants in CHEK2 are known to be pathogenic (PMID: 21876083, 24713400). This variant is not present in population databases (gnomAD no frequency). This variant has not been reported in the literature in individuals affected with CHEK2-related conditions. For these reasons, this variant has been classified as Pathogenic.

Literature cited by the submitters: PubMed 21876083; PubMed 24713400.